The following is an entry in ClinVar:

NM_004629.2(FANCG):c.1195G>C (p.Glu399Gln)

Gene: FANCG (FA complementation group G; minus strand). Cytogenetic location: 9p13.3.
Variant type: single nucleotide variant.
Coding change: c.1195G>C on transcript NM_004629.2 (MANE Select); coding-DNA position 1195, G replaced by C.
Protein change: p.Glu399Gln; replaces glutamic acid 399 with glutamine.
Molecular consequence: missense variant.
Genome position (GRCh38, 1-based): chr9:35,075,703, C>G on the plus strand (G>C on the coding strand, the complement: FANCG is on the minus strand). VCF-style: chr9-35075703-C-G. GRCh37 (hg19) VCF-style: chr9-35075700-C-G.
Other names: short protein forms E399Q.
Identifiers: ClinVar variation 3716383 (VCV003716383.2).

ClinVar aggregate classification (germline): Uncertain significance (1 of 4 stars; one submission).

Conditions:
Fanconi anemia (FA). Also called: Fanconi's anemia. Identifiers: Orphanet 84, MedGen C0015625, MeSH D005199, MONDO:0019391.

Submission:

Labcorp Genetics (formerly Invitae), Labcorp
Classification: Uncertain significance for Fanconi anemia. Last evaluated: 2024-03-03. Review status: criteria provided, single submitter. Criteria: Invitae Variant Classification Sherloc (09022015). Collection method: clinical testing. Allele origin: germline.
Comment: This sequence change replaces glutamic acid, which is acidic and polar, with glutamine, which is neutral and polar, at codon 399 of the FANCG protein (p.Glu399Gln). This variant is not present in population databases (gnomAD no frequency). This variant has not been reported in the literature in individuals affected with FANCG-related conditions. Advanced modeling of protein sequence and biophysical properties (such as structural, functional, and spatial information, amino acid conservation, physicochemical variation, residue mobility, and thermodynamic stability) performed at Invitae indicates that this missense variant is expected to disrupt FANCG protein function with a positive predictive value of 80%. Algorithms developed to predict the effect of sequence changes on RNA splicing suggest that this variant may create or strengthen a splice site. In summary, the available evidence is currently insufficient to determine the role of this variant in disease. Therefore, it has been classified as a Variant of Uncertain Significance.